The following is an entry in ClinVar:

NM_006005.3(WFS1):c.427A>G (p.Lys143Glu)

Gene: WFS1 (wolframin ER transmembrane glycoprotein; plus strand). Cytogenetic location: 4p16.1.
Variant type: single nucleotide variant.
Coding change: c.427A>G on transcript NM_006005.3 (MANE Select); coding-DNA position 427, A replaced by G.
Protein change: p.Lys143Glu; replaces lysine 143 with glutamic acid.
Molecular consequence: missense variant.
Genome position (GRCh38, 1-based): chr4:6,289,098, A>G. VCF-style: chr4-6289098-A-G. GRCh37 (hg19) VCF-style: chr4-6290825-A-G.
Other names: c.427A>G, p.Lys143Glu (NM_001145853.1); short protein forms K143E.
Identifiers: ClinVar variation 2830614 (VCV002830614.3), dbSNP rs2474171361, ClinGen allele CA356171692.

ClinVar aggregate classification (germline): Uncertain significance (1 of 4 stars; one submission).

gnomAD v4.1: 2 of 1,583,208 alleles (0.00013%); no homozygotes.

Submission:

Labcorp Genetics (formerly Invitae), Labcorp
Classification: Uncertain significance. Last evaluated: 2023-01-20. Review status: criteria provided, single submitter. Criteria: Invitae Variant Classification Sherloc (09022015). Collection method: clinical testing. Allele origin: germline.
Comment: Advanced modeling of protein sequence and biophysical properties (such as structural, functional, and spatial information, amino acid conservation, physicochemical variation, residue mobility, and thermodynamic stability) performed at Invitae indicates that this missense variant is not expected to disrupt WFS1 protein function. In summary, the available evidence is currently insufficient to determine the role of this variant in disease. Therefore, it has been classified as a Variant of Uncertain Significance. This variant has not been reported in the literature in individuals affected with WFS1-related conditions. This variant is not present in population databases (gnomAD no frequency). This sequence change replaces lysine, which is basic and polar, with glutamic acid, which is acidic and polar, at codon 143 of the WFS1 protein (p.Lys143Glu).